The following is an entry in ClinVar:

NM_000548.5(TSC2):c.1870G>C (p.Asp624His)

Gene: TSC2 (TSC complex subunit 2; plus strand). Cytogenetic location: 16p13.3.
Variant type: single nucleotide variant.
Coding change: c.1870G>C on transcript NM_000548.5 (MANE Select); coding-DNA position 1870, G replaced by C.
Protein change: p.Asp624His; replaces aspartic acid 624 with histidine.
Molecular consequence: missense variant. On other transcripts: non-coding transcript variant (5).
Genome position (GRCh38, 1-based): chr16:2,071,540, G>C. VCF-style: chr16-2071540-G-C. GRCh37 (hg19) VCF-style: chr16-2121541-G-C.
Other names: c.1870G>C, p.Asp624His (NM_001077183.3, NM_001114382.3, NM_001363528.2 and 6 more transcripts); c.1759G>C, p.Asp587His (NM_001318827.2, NM_001406670.1, NM_001406678.1); c.1723G>C, p.Asp575His (NM_001318829.2, NM_001406675.1, NM_001406676.1 and 1 more transcripts); c.1270G>C, p.Asp424His (NM_001318831.2, NM_001406680.1, NM_001406682.1 and 6 more transcripts); c.1903G>C, p.Asp635His (NM_001318832.2); c.1960G>C, p.Asp654His (NM_001406667.1, NM_001406668.1); c.1858G>C, p.Asp620His (NM_001406671.1, NM_001406673.1); c.1813G>C, p.Asp605His (NM_001406677.1); and 3 more; short protein forms D654H, D176H, D424H, D575H, D624H, D635H, D90H, D605H.
Identifiers: ClinVar variation 3462566 (VCV003462566.3).

ClinVar aggregate classification (germline): Uncertain significance. Review status: criteria provided, multiple submitters, no conflicts (2 of 4 stars). 2 submissions from 2 submitters: Uncertain significance (2). Last evaluated 2024-10-02.

Conditions:
Tuberous sclerosis 2 (TSC2). Identifiers: Orphanet 805, MedGen C1860707, MONDO:0013199, OMIM 613254.
Hereditary cancer-predisposing syndrome. Also called: Hereditary Cancer Syndrome; Hereditary neoplastic syndrome; Neoplastic Syndromes, Hereditary; Tumor predisposition. Identifiers: Orphanet 140162, MedGen C0027672, MeSH D009386, MONDO:0015356.

Submissions (2):

Labcorp Genetics (formerly Invitae), Labcorp
Classification: Uncertain significance for Tuberous sclerosis 2. Last evaluated: 2024-10-02. Review status: criteria provided, single submitter. Criteria: Invitae Variant Classification Sherloc (09022015). Collection method: clinical testing. Allele origin: germline.
Comment: This sequence change replaces aspartic acid, which is acidic and polar, with histidine, which is basic and polar, at codon 624 of the TSC2 protein (p.Asp624His). This variant is not present in population databases (gnomAD no frequency). This variant has not been reported in the literature in individuals affected with TSC2-related conditions. Invitae Evidence Modeling of protein sequence and biophysical properties (such as structural, functional, and spatial information, amino acid conservation, physicochemical variation, residue mobility, and thermodynamic stability) has been performed for this missense variant. However, the output from this modeling did not meet the statistical confidence thresholds required to predict the impact of this variant on TSC2 protein function. In summary, the available evidence is currently insufficient to determine the role of this variant in disease. Therefore, it has been classified as a Variant of Uncertain Significance.

Ambry Genetics
Classification: Uncertain significance for Hereditary cancer-predisposing syndrome. Last evaluated: 2024-06-27. Review status: criteria provided, single submitter. Criteria: Ambry Variant Classification Scheme 2023. Collection method: clinical testing. Allele origin: germline.
Comment: The p.D624H variant (also known as c.1870G>C), located in coding exon 17 of the TSC2 gene, results from a G to C substitution at nucleotide position 1870. The aspartic acid at codon 624 is replaced by histidine, an amino acid with similar properties. This amino acid position is highly conserved in available vertebrate species. In addition, this alteration is predicted to be deleterious by in silico analysis. Based on the available evidence, the clinical significance of this variant remains unclear.